The following is an entry in ClinVar:

NM_006231.4(POLE):c.4969A>T (p.Ile1657Phe)

Gene: POLE (DNA polymerase epsilon, catalytic subunit; minus strand). Cytogenetic location: 12q24.33.
Variant type: single nucleotide variant.
Coding change: c.4969A>T on transcript NM_006231.4 (MANE Select); coding-DNA position 4969, A replaced by T.
Protein change: p.Ile1657Phe; replaces isoleucine 1657 with phenylalanine.
Molecular consequence: missense variant.
Genome position (GRCh38, 1-based): chr12:132,642,381, T>A on the plus strand (A>T on the coding strand, the complement: POLE is on the minus strand). VCF-style: chr12-132642381-T-A. GRCh37 (hg19) VCF-style: chr12-133218967-T-A.
Other names: short protein forms I1657F.
Identifiers: ClinVar variation 3225469 (VCV003225469.1), dbSNP rs1198380388, ClinGen allele CA387377636.

ClinVar aggregate classification (germline): Uncertain significance (1 of 4 stars; one submission).

Conditions:
Hereditary cancer-predisposing syndrome. Also called: Neoplastic Syndromes, Hereditary; Tumor predisposition; Hereditary neoplastic syndrome; Hereditary Cancer Syndrome. Identifiers: Orphanet 140162, MedGen C0027672, MeSH D009386, MONDO:0015356.

Submission:

Ambry Genetics
Classification: Uncertain significance for Hereditary cancer-predisposing syndrome. Last evaluated: 2023-10-16. Review status: criteria provided, single submitter. Criteria: Ambry Variant Classification Scheme 2023. Collection method: clinical testing. Allele origin: germline.
Comment: The p.I1657F variant (also known as c.4969A>T), located in coding exon 38 of the POLE gene, results from an A to T substitution at nucleotide position 4969. The isoleucine at codon 1657 is replaced by phenylalanine, an amino acid with highly similar properties. This amino acid position is conserved. In addition, this alteration is predicted to be tolerated by in silico analysis. Since supporting evidence is limited at this time, the clinical significance of this alteration remains unclear.